The following is an entry in ClinVar:

NM_001364905.1(LRBA):c.3905C>T (p.Thr1302Ile)

Gene: LRBA (LPS responsive beige-like anchor protein; minus strand). Cytogenetic location: 4q31.3.
Variant type: single nucleotide variant.
Coding change: c.3905C>T on transcript NM_001364905.1 (MANE Select); coding-DNA position 3905, C replaced by T.
Protein change: p.Thr1302Ile; replaces threonine 1302 with isoleucine.
Molecular consequence: missense variant.
Genome position (GRCh38, 1-based): chr4:150,850,823, G>A on the plus strand (C>T on the coding strand, the complement: LRBA is on the minus strand). VCF-style: chr4-150850823-G-A. GRCh37 (hg19) VCF-style: chr4-151771975-G-A.
Other names: c.3905C>T, p.Thr1302Ile (NM_001199282.3, NM_001367550.1, NM_006726.5); short protein forms T1302I.
Identifiers: ClinVar variation 540392 (VCV000540392.10), dbSNP rs756627280, ClinGen allele CA3102956.

ClinVar aggregate classification (germline): Uncertain significance. Review status: criteria provided, multiple submitters, no conflicts (2 of 4 stars). 2 submissions from 2 submitters: Uncertain significance (2). Last evaluated 2026-01-12.

Conditions:
Combined immunodeficiency due to LRBA deficiency. Also called: Common variable immunodeficiency 8, with autoimmunity. Identifiers: Orphanet 445018, MedGen C3553512, MONDO:0013863, OMIM 614700.

Allele frequency attached by ClinVar (database versions not stated): gnomAD exomes 0.00001 and 0.00007; ExAC 0.00003; gnomAD 0.00003 and 0.00004; TOPMed 0.00004.
gnomAD v4.1: 22 of 1,613,732 alleles (0.0014%); highest among the groups gnomAD compares: Admixed American, 0.027%; no homozygotes.

Submissions (2):

Labcorp Genetics (formerly Invitae), Labcorp
Classification: Uncertain significance for Combined immunodeficiency due to LRBA deficiency. Last evaluated: 2026-01-12. Review status: criteria provided, single submitter. Criteria: Invitae Variant Classification Sherloc (09022015). Collection method: clinical testing. Allele origin: germline.
Comment: This sequence change replaces threonine, which is neutral and polar, with isoleucine, which is neutral and non-polar, at codon 1302 of the LRBA protein (p.Thr1302Ile). This variant is present in population databases (rs756627280, gnomAD 0.05%). This missense change has been observed in individual(s) with clinical features of LRBA-related conditions (internal data). ClinVar contains an entry for this variant (Variation ID: 540392). Invitae Evidence Modeling of protein sequence and biophysical properties (such as structural, functional, and spatial information, amino acid conservation, physicochemical variation, residue mobility, and thermodynamic stability) indicates that this missense variant is not expected to disrupt LRBA protein function with a negative predictive value of 80%. In summary, the available evidence is currently insufficient to determine the role of this variant in disease. Therefore, it has been classified as a Variant of Uncertain Significance.

Blueprint Genetics
Classification: Uncertain significance. Last evaluated: 2020-01-07. Review status: criteria provided, single submitter. Criteria: ACMG Guidelines, 2015. Collection method: clinical testing. Allele origin: germline.